The following is an entry in ClinVar:

NM_005732.4(RAD50):c.2092A>G (p.Ile698Val)

Gene: RAD50 (RAD50 double strand break repair protein; plus strand). Cytogenetic location: 5q31.1.
Variant type: single nucleotide variant.
Coding change: c.2092A>G on transcript NM_005732.4 (MANE Select); coding-DNA position 2092, A replaced by G.
Protein change: p.Ile698Val; replaces isoleucine 698 with valine.
Molecular consequence: missense variant.
Genome position (GRCh38, 1-based): chr5:132,595,695, A>G. VCF-style: chr5-132595695-A-G. GRCh37 (hg19) VCF-style: chr5-131931387-A-G.
Other names: short protein forms I698V.
Identifiers: ClinVar variation 186275 (VCV000186275.19), dbSNP rs781213977, ClinGen allele CA194325.

ClinVar aggregate classification (germline): Conflicting classifications of pathogenicity. Review status: criteria provided, conflicting classifications (1 of 4 stars). 4 submissions from 4 submitters: Uncertain significance (3); Likely benign (1). Last evaluated 2025-07-21.

Conditions:
Hereditary cancer-predisposing syndrome. Also called: Neoplastic Syndromes, Hereditary; Tumor predisposition; Hereditary Cancer Syndrome; Hereditary neoplastic syndrome. Identifiers: Orphanet 140162, MedGen C0027672, MeSH D009386, MONDO:0015356.

Allele frequency attached by ClinVar (database versions not stated): gnomAD exomes below 0.00001 and 0.00001; TOPMed below 0.00001; ExAC 0.00001; gnomAD 0.00001.
gnomAD v4.1: 6 of 1,613,906 alleles (0.00037%); highest among the groups gnomAD compares: Non-Finnish European, 0.00042%; no homozygotes.

Submissions (4):

Labcorp Genetics (formerly Invitae), Labcorp
Classification: Likely benign for Hereditary cancer-predisposing syndrome. Last evaluated: 2025-07-21. Review status: criteria provided, single submitter. Criteria: Invitae Variant Classification Sherloc (09022015). Collection method: clinical testing. Allele origin: germline.

Quest Diagnostics Nichols Institute San Juan Capistrano
Classification: Uncertain significance. Last evaluated: 2025-03-27. Review status: criteria provided, single submitter. Criteria: Quest Diagnostics criteria. Collection method: clinical testing. Allele origin: unknown.
Comment: The RAD50 c.2092A>G (p.Ile698Val) variant has been reported in the published literature in individuals with a personal and/or family history of breast and/or ovarian cancer (PMID: 36035419 (2022), 33471991 (2021), see also LOVD). The frequency of this variant in the general population (Genome Aggregation Database) is uninformative in the assessment of its pathogenicity. Analysis of this variant using bioinformatics tools for the prediction of the effect of amino acid changes on protein structure and function yielded conflicting predictions that this variant is deleterious or benign. Based on the available information, we are unable to determine the clinical significance of this variant.

Ambry Genetics
Classification: Uncertain significance for Hereditary cancer-predisposing syndrome. Last evaluated: 2024-08-27. Review status: criteria provided, single submitter. Criteria: Ambry Variant Classification Scheme 2023. Collection method: clinical testing. Allele origin: germline.
Comment: The p.I698V variant (also known as c.2092A>G), located in coding exon 13 of the RAD50 gene, results from an A to G substitution at nucleotide position 2092. The isoleucine at codon 698 is replaced by valine, an amino acid with highly similar properties. This amino acid position is highly conserved in available vertebrate species. In addition, this alteration is predicted to be tolerated by in silico analysis. Since supporting evidence is limited at this time, the clinical significance of this alteration remains unclear.

Women's Health and Genetics/Laboratory Corporation of America, LabCorp
Classification: Uncertain significance. Last evaluated: 2023-02-09. Review status: criteria provided, single submitter. Criteria: LabCorp Variant Classification Summary - May 2015. Collection method: clinical testing. Allele origin: germline.
Comment: Variant summary: RAD50 c.2092A>G (p.Ile698Val) results in a conservative amino acid change located in the zinc hook domain (IPR013134) of the encoded protein sequence. Four of five in-silico tools predict a benign effect of the variant on protein function. The variant allele was found at a frequency of 4e-06 in 251300 control chromosomes (gnomAD). The available data on variant occurrences in the general population are insufficient to allow any conclusion about variant significance. c.2092A>G has been reported in the literature in individuals affected with or at high risk for Hereditary Breast and Ovarian Cancer Syndrome (e.g. Shalabi_2021, Nunziato_2022), however these reports did not provide supporting evidence for causality. In a recent large study evaluating breast cancer cases and controls in the Breast Cancer Association Consortium (BCAC), the variant was reported in 2/60466 cases, and was not found in 53461 controls (Dorling_2021, reported through LOVD). Therefore, these reports do not provide unequivocal conclusions about association of the variant with Hereditary Breast and Ovarian Cancer Syndrome. To our knowledge, no experimental evidence demonstrating an impact on protein function has been reported. Two clinical diagnostic laboratories have submitted clinical-significance assessments for this variant to ClinVar after 2014. One laboratory classified the variant as likely benign, and one laboratory classified the variant as uncertain significance. Based on the evidence outlined above, the variant was classified as uncertain significance.

Literature cited by the submitters: PubMed 36035419 (cited by Quest Diagnostics Nichols Institute San Juan Capistrano and Women's Health and Genetics/Laboratory Corporation of America, LabCorp); PubMed 35187501 (cited by Quest Diagnostics Nichols Institute San Juan Capistrano and Women's Health and Genetics/Laboratory Corporation of America, LabCorp); PubMed 33471991 (cited by Quest Diagnostics Nichols Institute San Juan Capistrano and Women's Health and Genetics/Laboratory Corporation of America, LabCorp).